The following is an entry in ClinVar:

ClinVar aggregate classification (germline): Uncertain significance (1 of 4 stars; one submission).

Allele frequency attached by ClinVar (database versions not stated): TOPMed 0.00006.

Submission:

Labcorp Genetics (formerly Invitae), Labcorp
Classification: Uncertain significance. Last evaluated: 2022-03-09. Review status: criteria provided, single submitter. Criteria: Invitae Variant Classification Sherloc (09022015). Collection method: clinical testing. Allele origin: germline.
Comment: ClinVar contains an entry for this variant (Variation ID: 1017082). This sequence change replaces leucine, which is neutral and non-polar, with arginine, which is basic and polar, at codon 2275 of the GPR179 protein (p.Leu2275Arg). This variant is present in population databases (rs148601715, gnomAD 0.06%). This variant has not been reported in the literature in individuals affected with GPR179-related conditions. Algorithms developed to predict the effect of missense changes on protein structure and function are either unavailable or do not agree on the potential impact of this missense change (SIFT: "Tolerated"; PolyPhen-2: "Possibly Damaging"; Align-GVGD: "Class C0"). In summary, the available evidence is currently insufficient to determine the role of this variant in disease. Therefore, it has been classified as a Variant of Uncertain Significance.

NM_001004334.4(GPR179):c.6824T>G (p.Leu2275Arg)

Gene: GPR179 (G protein-coupled receptor 179; minus strand). Cytogenetic location: 17q12.
Variant type: single nucleotide variant.
Coding change: c.6824T>G on transcript NM_001004334.4 (MANE Select); coding-DNA position 6824, T replaced by G.
Protein change: p.Leu2275Arg; replaces leucine 2275 with arginine.
Molecular consequence: missense variant.
Genome position (GRCh38, 1-based): chr17:38,326,745, A>C on the plus strand (T>G on the coding strand, the complement: GPR179 is on the minus strand). VCF-style: chr17-38326745-A-C. GRCh37 (hg19) VCF-style: chr17-36482628-A-C.
Other names: short protein forms L2275R.
Identifiers: ClinVar variation 1017082 (VCV001017082.7), dbSNP rs148601715, ClinGen allele CA290102784.
Genomic context (GRCh38, chr17:38,326,745, plus strand): 5'-GGGCAGGGGATTTTGCTTTCTGGAAAGAAGTGATCCAGAGGCCCATGGACTAAAAGGCAT[A>C]GTGGTTTTTCAGGAGCTGTGGGGAAAAATTCTCTCCGAGTTGCTGTTAAAGCCAGGAGGC-3'
Protein context (NP_001004334.3, residues 2265-2285): EFFPTAPEKP[Leu2275Arg]CLLVHGPLDH